The following is an entry in ClinVar:

ClinVar aggregate classification (germline): Uncertain significance (1 of 4 stars; one submission).

Allele frequency attached by ClinVar (database versions not stated): TOPMed 0.00001.
gnomAD v4.1: 5 of 1,613,870 alleles (0.00031%); highest among the groups gnomAD compares: East Asian, 0.0022%; no homozygotes.

Submission:

Labcorp Genetics (formerly Invitae), Labcorp
Classification: Uncertain significance. Last evaluated: 2023-08-04. Review status: criteria provided, single submitter. Criteria: Invitae Variant Classification Sherloc (09022015). Collection method: clinical testing. Allele origin: germline.
Comment: In summary, the available evidence is currently insufficient to determine the role of this variant in disease. Therefore, it has been classified as a Variant of Uncertain Significance. Variants that disrupt the consensus splice site are a relatively common cause of aberrant splicing (PMID: 17576681, 9536098). Algorithms developed to predict the effect of sequence changes on RNA splicing suggest that this variant is not likely to affect RNA splicing. ClinVar contains an entry for this variant (Variation ID: 2086443). This variant has not been reported in the literature in individuals affected with C3-related conditions. This variant is present in population databases (no rsID available, gnomAD 0.006%). This sequence change falls in intron 12 of the C3 gene. It does not directly change the encoded amino acid sequence of the C3 protein. It affects a nucleotide within the consensus splice site.

Literature cited by the submitters: PubMed 17576681; PubMed 9536098.

NM_000064.4(C3):c.1479+4C>T

Gene: C3 (complement C3; minus strand). Cytogenetic location: 19p13.3.
Variant type: single nucleotide variant.
Coding change: c.1479+4C>T on transcript NM_000064.4 (MANE Select); 4 bases into the intron after coding-DNA position 1479, C replaced by T.
Molecular consequence: intron variant.
Genome position (GRCh38, 1-based): chr19:6,710,983, G>A on the plus strand (C>T on the coding strand, the complement: C3 is on the minus strand). VCF-style: chr19-6710983-G-A. GRCh37 (hg19) VCF-style: chr19-6710994-G-A.
Identifiers: ClinVar variation 2086443 (VCV002086443.4), dbSNP rs909858183, ClinGen allele CA304795504.
Genomic context (GRCh38, chr19:6,710,983, plus strand): 5'-AGTCCCAGGGGTGCGGAAGAAACAAGGAGGAGGCGGGGGCTGAGGTTTCCAGGTGGCCAC[G>A]GACCAGGTAGGTGTAGTAGCGGATCTTGGCCTCGTGGGCGCGGTCCATTCGCAGGAGGAA-3'